The following is an entry in ClinVar:

ClinVar aggregate classification (germline): Uncertain significance (1 of 4 stars; one submission).

Allele frequency attached by ClinVar (database versions not stated): TOPMed below 0.00001; gnomAD 0.00001; gnomAD exomes 0.00003; ExAC 0.00007.
gnomAD v4.1: 46 of 1,612,910 alleles (0.0029%); highest among the groups gnomAD compares: South Asian, 0.046%; no homozygotes.

Submission:

Labcorp Genetics (formerly Invitae), Labcorp
Classification: Uncertain significance. Last evaluated: 2023-12-11. Review status: criteria provided, single submitter. Criteria: Invitae Variant Classification Sherloc (09022015). Collection method: clinical testing. Allele origin: germline.
Comment: This sequence change falls in intron 10 of the GRIN2D gene. It does not directly change the encoded amino acid sequence of the GRIN2D protein. It affects a nucleotide within the consensus splice site. This variant is present in population databases (rs748414778, gnomAD 0.05%), and has an allele count higher than expected for a pathogenic variant. This variant has not been reported in the literature in individuals affected with GRIN2D-related conditions. Variants that disrupt the consensus splice site are a relatively common cause of aberrant splicing (PMID: 17576681, 9536098). Algorithms developed to predict the effect of sequence changes on RNA splicing suggest that this variant is not likely to affect RNA splicing. In summary, the available evidence is currently insufficient to determine the role of this variant in disease. Therefore, it has been classified as a Variant of Uncertain Significance.

Literature cited by the submitters: PubMed 17576681; PubMed 9536098.

NM_000836.4(GRIN2D):c.2252+6C>T

Gene: GRIN2D (glutamate ionotropic receptor NMDA type subunit 2D; plus strand). Cytogenetic location: 19q13.33.
Variant type: single nucleotide variant.
Coding change: c.2252+6C>T on transcript NM_000836.4 (MANE Select); 6 bases into the intron after coding-DNA position 2252, C replaced by T.
Molecular consequence: intron variant.
Genome position (GRCh38, 1-based): chr19:48,421,951, C>T. VCF-style: chr19-48421951-C-T. GRCh37 (hg19) VCF-style: chr19-48925208-C-T.
Identifiers: ClinVar variation 2900692 (VCV002900692.3), dbSNP rs748414778, ClinGen allele CA9550686.